The following is an entry in ClinVar:

NM_003737.4(DCHS1):c.2626G>A (p.Ala876Thr)

Gene: DCHS1 (dachsous cadherin-related 1; minus strand). Cytogenetic location: 11p15.4.
Variant type: single nucleotide variant.
Coding change: c.2626G>A on transcript NM_003737.4 (MANE Select); coding-DNA position 2626, G replaced by A.
Protein change: p.Ala876Thr; replaces alanine 876 with threonine.
Molecular consequence: missense variant.
Genome position (GRCh38, 1-based): chr11:6,632,886, C>T on the plus strand (G>A on the coding strand, the complement: DCHS1 is on the minus strand). VCF-style: chr11-6632886-C-T. GRCh37 (hg19) VCF-style: chr11-6654117-C-T.
Other names: short protein forms A876T.
Identifiers: ClinVar variation 2363816 (VCV002363816.4), dbSNP rs961424963, ClinGen allele CA217299386.

ClinVar aggregate classification (germline): Uncertain significance. Review status: criteria provided, multiple submitters, no conflicts (2 of 4 stars). 2 submissions from 2 submitters: Uncertain significance (2). Last evaluated 2024-05-09.

Conditions:
Inborn genetic diseases. Identifiers: MedGen C0950123, MeSH D030342.

Allele frequency attached by ClinVar (database versions not stated): TOPMed 0.00001.

Submissions (2):

Labcorp Genetics (formerly Invitae), Labcorp
Classification: Uncertain significance. Last evaluated: 2024-05-09. Review status: criteria provided, single submitter. Criteria: Invitae Variant Classification Sherloc (09022015). Collection method: clinical testing. Allele origin: germline.
Comment: This sequence change replaces alanine, which is neutral and non-polar, with threonine, which is neutral and polar, at codon 876 of the DCHS1 protein (p.Ala876Thr). This variant is present in population databases (no rsID available, gnomAD 0.007%). This variant has not been reported in the literature in individuals affected with DCHS1-related conditions. ClinVar contains an entry for this variant (Variation ID: 2363816). Advanced modeling of protein sequence and biophysical properties (such as structural, functional, and spatial information, amino acid conservation, physicochemical variation, residue mobility, and thermodynamic stability) performed at Invitae indicates that this missense variant is not expected to disrupt DCHS1 protein function with a negative predictive value of 95%. In summary, the available evidence is currently insufficient to determine the role of this variant in disease. Therefore, it has been classified as a Variant of Uncertain Significance.

Ambry Genetics
Classification: Uncertain significance for Inborn genetic diseases. Last evaluated: 2022-12-05. Review status: criteria provided, single submitter. Criteria: Ambry Variant Classification Scheme 2023. Collection method: clinical testing. Allele origin: germline.